The following is an entry in ClinVar:

ClinVar aggregate classification (germline): Uncertain significance (1 of 4 stars; one submission).

Conditions:
Mitochondrial complex II deficiency, nuclear type 1. Also called: SUCCINATE CoQ REDUCTASE DEFICIENCY. Identifiers: Orphanet 3208, MedGen C5700310, MONDO:0100294, OMIM 252011.
Pheochromocytoma/paraganglioma syndrome 5. Also called: Paragangliomas 5; SDHA-Related Hereditary Paraganglioma-Pheochromocytoma Syndrome. Identifiers: Orphanet 29072, MedGen C3279992, MONDO:0013602, OMIM 614165.

Allele frequency attached by ClinVar (database versions not stated): gnomAD exomes below 0.00001 and 0.00001; ExAC 0.00001.
gnomAD v4.1: 4 of 1,613,202 alleles (0.00025%); highest among the groups gnomAD compares: Admixed American, 0.0017%; no homozygotes.

Submission:

Labcorp Genetics (formerly Invitae), Labcorp
Classification: Uncertain significance for Pheochromocytoma/paraganglioma syndrome 5; Mitochondrial complex II deficiency, nuclear type 1. Last evaluated: 2025-07-13. Review status: criteria provided, single submitter. Criteria: Invitae Variant Classification Sherloc (09022015). Collection method: clinical testing. Allele origin: germline.
Comment: This sequence change replaces phenylalanine, which is neutral and non-polar, with leucine, which is neutral and non-polar, at codon 160 of the SDHA protein (p.Phe160Leu). This variant is present in population databases (rs775074528, gnomAD 0.003%). This variant has not been reported in the literature in individuals affected with SDHA-related conditions. ClinVar contains an entry for this variant (Variation ID: 1424413). Invitae Evidence Modeling of protein sequence and biophysical properties (such as structural, functional, and spatial information, amino acid conservation, physicochemical variation, residue mobility, and thermodynamic stability) has been performed for this missense variant. However, the output from this modeling did not meet the statistical confidence thresholds required to predict the impact of this variant on SDHA protein function. In summary, the available evidence is currently insufficient to determine the role of this variant in disease. Therefore, it has been classified as a Variant of Uncertain Significance.

NM_004168.4(SDHA):c.478T>C (p.Phe160Leu)

Gene: SDHA (succinate dehydrogenase complex flavoprotein subunit A; plus strand). Cytogenetic location: 5p15.33.
Variant type: single nucleotide variant.
Coding change: c.478T>C on transcript NM_004168.4 (MANE Select); coding-DNA position 478, T replaced by C.
Protein change: p.Phe160Leu; replaces phenylalanine 160 with leucine.
Molecular consequence: missense variant.
Genome position (GRCh38, 1-based): chr5:225,904, T>C. VCF-style: chr5-225904-T-C. GRCh37 (hg19) VCF-style: chr5-226019-T-C.
Other names: c.334T>C, p.Phe112Leu (NM_001294332.2); c.478T>C, p.Phe160Leu (NM_001330758.2); short protein forms F112L, F160L.
Identifiers: ClinVar variation 1424413 (VCV001424413.6), dbSNP rs775074528, ClinGen allele CA3172860.
Genomic context (GRCh38, chr5:225,904, plus strand): 5'-TAAGGTGTTAAGGTTTTTGTTTGTTTTTATCTTTCACAGCTAGAAAATTATGGCATGCCG[T>C]TTAGCAGAACTGAAGATGGGAAGATTTATCAGCGTGCATTTGGTGGACAGAGCCTCAAGT-3'
Protein context (NP_004159.2, residues 150-170): VVELENYGMP[Phe160Leu]SRTEDGKIYQ